The following is an entry in ClinVar:

ClinVar aggregate classification (germline): Uncertain significance (1 of 4 stars; one submission).

Conditions:
Familial adenomatous polyposis 1 (FAP1). Also called: POLYPOSIS, ADENOMATOUS INTESTINAL; FAMILIAL ADENOMATOUS POLYPOSIS 1, ATTENUATED. Identifiers: MedGen C2713442, MONDO:0021056, OMIM 175100. Disease mechanism: loss of function.

Submission:

Labcorp Genetics (formerly Invitae), Labcorp
Classification: Uncertain significance for Familial adenomatous polyposis 1. Last evaluated: 2018-09-20. Review status: criteria provided, single submitter. Criteria: Invitae Variant Classification Sherloc (09022015). Collection method: clinical testing. Allele origin: germline.
Comment: This sequence change replaces lysine with asparagine at codon 1982 of the APC protein (p.Lys1982Asn). The lysine residue is highly conserved and there is a moderate physicochemical difference between lysine and asparagine. This variant is not present in population databases (ExAC no frequency). This variant has not been reported in the literature in individuals with APC-related disease. Algorithms developed to predict the effect of missense changes on protein structure and function are either unavailable or do not agree on the potential impact of this missense change (SIFT: "Deleterious"; PolyPhen-2: "Possibly Damaging"; Align-GVGD: "Class C0"). In summary, the available evidence is currently insufficient to determine the role of this variant in disease. Therefore, it has been classified as a Variant of Uncertain Significance.

NM_000038.6(APC):c.5946A>C (p.Lys1982Asn)

Gene: APC (APC regulator of Wnt signaling pathway; plus strand). Cytogenetic location: 5q22.2.
Variant type: single nucleotide variant.
Coding change: c.5946A>C on transcript NM_000038.6 (MANE Select); coding-DNA position 5946, A replaced by C.
Protein change: p.Lys1982Asn; replaces lysine 1982 with asparagine.
Molecular consequence: missense variant.
Genome position (GRCh38, 1-based): chr5:112,841,540, A>C. VCF-style: chr5-112841540-A-C. GRCh37 (hg19) VCF-style: chr5-112177237-A-C.
Other names: c.5946A>C, p.Lys1982Asn (NM_001127510.3, NM_001354895.2); c.5892A>C, p.Lys1964Asn (NM_001127511.3); c.6000A>C, p.Lys2000Asn (NM_001354896.2); c.5976A>C, p.Lys1992Asn (NM_001354897.2); c.5871A>C, p.Lys1957Asn (NM_001354898.2); c.5862A>C, p.Lys1954Asn (NM_001354899.2); c.5823A>C, p.Lys1941Asn (NM_001354900.2); c.5769A>C, p.Lys1923Asn (NM_001354901.2); and 5 more; short protein forms K1699N, K1957N, K1982N, K1992N, K1822N, K1923N, K1891N, K1954N.
Identifiers: ClinVar variation 640119 (VCV000640119.10), dbSNP rs1580665941, ClinGen allele CA16034345.
Genomic context (GRCh38, chr5:112,841,540, plus strand): 5'-CTTTTCTCATAATTCCTCTCTGAGTTCTCTCAGTGACATTGACCAAGAAAACAACAATAA[A>C]GAAAATGAACCTATCAAAGAGACTGAGCCCCCTGACTCACAGGGAGAACCAAGTAAACCT-3'
Protein context (NP_000029.2, residues 1972-1992): LSDIDQENNN[Lys1982Asn]ENEPIKETEP